The following is an entry in ClinVar:

ClinVar aggregate classification (germline): Uncertain significance (1 of 4 stars; one submission).

Conditions:
Cornelia de Lange syndrome 1 (CDLS1). Also called: NIPBL-Related Cornelia de Lange Syndrome; TYPUS DEGENERATIVUS AMSTELODAMENSIS; Brachmann de Lange syndrome. Identifiers: Orphanet 199, MedGen C4551851, MONDO:0007387, OMIM 122470.

Submission:

3billion
Classification: Uncertain significance for Cornelia de Lange syndrome 1. Last evaluated: 2024-06-18. Review status: criteria provided, single submitter. Criteria: ACMG Guidelines, 2015. Collection method: clinical testing. Allele origin: germline. Affected: yes.
Comment: The variant is not observed in the gnomAD v4.0.0 dataset. Predicted Consequence/Location: Missense variant In silico tool predictions suggest damaging effect of the variant on gene or gene product [3Cnet: 0.89 (>=0.6, sensitivity 0.72 and precision 0.9)]. Therefore, this variant is classified as VUS according to the recommendation of ACMG/AMP guideline.

NM_133433.4(NIPBL):c.6341A>G (p.Tyr2114Cys)

Gene: NIPBL (NIPBL cohesin loading factor; plus strand). Cytogenetic location: 5p13.2.
Variant type: single nucleotide variant.
Coding change: c.6341A>G on transcript NM_133433.4 (MANE Select); coding-DNA position 6341, A replaced by G.
Protein change: p.Tyr2114Cys; replaces tyrosine 2114 with cysteine.
Molecular consequence: missense variant.
Genome position (GRCh38, 1-based): chr5:37,044,727, A>G. VCF-style: chr5-37044727-A-G. GRCh37 (hg19) VCF-style: chr5-37044829-A-G.
Other names: c.6341A>G, p.Tyr2114Cys (NM_001438586.1, NM_015384.5); short protein forms Y2114C.
Identifiers: ClinVar variation 4292560 (VCV004292560.1).